The following is an entry in ClinVar:

ClinVar aggregate classification (germline): Likely benign. Review status: criteria provided, multiple submitters, no conflicts (2 of 4 stars). 3 submissions from 3 submitters: Likely benign (3). Last evaluated 2025-12-14.

Conditions:
Neuronal ceroid lipofuscinosis. Also called: Neuronal Ceroid Lipofuscinoses. Identifiers: Orphanet 216, Orphanet 79263, MedGen C0027877, MONDO:0016295. Disease mechanism: loss of function.

Allele frequency attached by ClinVar (database versions not stated): TOPMed 0.00002; gnomAD 0.00005; ESP Exome Variant Server 0.00008.
gnomAD v4.1: 59 of 1,612,698 alleles (0.0037%); highest among the groups gnomAD compares: South Asian, 0.0066%; no homozygotes.

Submissions (3):

Labcorp Genetics (formerly Invitae), Labcorp
Classification: Likely benign for Neuronal ceroid lipofuscinosis. Last evaluated: 2025-12-14. Review status: criteria provided, single submitter. Criteria: Invitae Variant Classification Sherloc (09022015). Collection method: clinical testing. Allele origin: germline.

Blueprint Genetics
Classification: Likely benign. Last evaluated: 2020-09-04. Review status: criteria provided, single submitter. Criteria: ACMG Guidelines, 2015. Collection method: clinical testing. Allele origin: germline.

GeneDx
Classification: Likely benign. Last evaluated: 2018-04-18. Review status: criteria provided, single submitter. Criteria: GeneDx Variant Classification (06012015). Collection method: clinical testing. Allele origin: germline. Affected: yes.
Comment: This variant is considered likely benign or benign based on one or more of the following criteria: it is a conservative change, it occurs at a poorly conserved position in the protein, it is predicted to be benign by multiple in silico algorithms, and/or has population frequency not consistent with disease.

NM_017882.3(CLN6):c.678C>T (p.Thr226=)

Gene: CLN6 (CLN6 transmembrane ER protein; minus strand). Cytogenetic location: 15q23.
Variant type: single nucleotide variant.
Coding change: c.678C>T on transcript NM_017882.3 (MANE Select); coding-DNA position 678, C replaced by T.
Protein change: p.Thr226=; no amino-acid change (threonine 226 retained).
Molecular consequence: synonymous variant.
Genome position (GRCh38, 1-based): chr15:68,208,398, G>A on the plus strand (C>T on the coding strand, the complement: CLN6 is on the minus strand). VCF-style: chr15-68208398-G-A. GRCh37 (hg19) VCF-style: chr15-68500736-G-A.
Identifiers: ClinVar variation 682179 (VCV000682179.13), dbSNP rs374744816, ClinGen allele CA7630489.